The following is an entry in ClinVar:

NM_032444.4(SLX4):c.1796G>A (p.Gly599Asp)

Gene: SLX4 (SLX4 structure-specific endonuclease subunit; minus strand). Cytogenetic location: 16p13.3.
Variant type: single nucleotide variant.
Coding change: c.1796G>A on transcript NM_032444.4 (MANE Select); coding-DNA position 1796, G replaced by A.
Protein change: p.Gly599Asp; replaces glycine 599 with aspartic acid.
Molecular consequence: missense variant.
Genome position (GRCh38, 1-based): chr16:3,596,281, C>T on the plus strand (G>A on the coding strand, the complement: SLX4 is on the minus strand). VCF-style: chr16-3596281-C-T. GRCh37 (hg19) VCF-style: chr16-3646282-C-T.
Other names: short protein forms G599D.
Identifiers: ClinVar variation 2149796 (VCV002149796.4), dbSNP rs1404567361, ClinGen allele CA394527415.

ClinVar aggregate classification (germline): Uncertain significance (1 of 4 stars; one submission).

Conditions:
Fanconi anemia (FA). Also called: Fanconi's anemia. Identifiers: Orphanet 84, MedGen C0015625, MeSH D005199, MONDO:0019391.

gnomAD v4.1: 2 of 1,568,240 alleles (0.00013%); highest among the groups gnomAD compares: Non-Finnish European, 0.00017%; no homozygotes.

Submission:

Labcorp Genetics (formerly Invitae), Labcorp
Classification: Uncertain significance for Fanconi anemia. Last evaluated: 2022-09-07. Review status: criteria provided, single submitter. Criteria: Invitae Variant Classification Sherloc (09022015). Collection method: clinical testing. Allele origin: germline.
Comment: This variant is not present in population databases (gnomAD no frequency). This sequence change replaces glycine, which is neutral and non-polar, with aspartic acid, which is acidic and polar, at codon 599 of the SLX4 protein (p.Gly599Asp). This variant has not been reported in the literature in individuals affected with SLX4-related conditions. In summary, the available evidence is currently insufficient to determine the role of this variant in disease. Therefore, it has been classified as a Variant of Uncertain Significance. Algorithms developed to predict the effect of missense changes on protein structure and function output the following: SIFT: "Tolerated"; PolyPhen-2: "Benign"; Align-GVGD: "Class C0". The aspartic acid amino acid residue is found in multiple mammalian species, which suggests that this missense change does not adversely affect protein function.